The following is an entry in ClinVar:

ClinVar aggregate classification (germline): Uncertain significance. Review status: criteria provided, multiple submitters, no conflicts (2 of 4 stars). 2 submissions from 2 submitters: Uncertain significance (2). Last evaluated 2024-09-20.

Allele frequency attached by ClinVar (database versions not stated): TOPMed below 0.00001; ExAC 0.00001; gnomAD exomes below 0.00001.
gnomAD v4.1: 7 of 1,612,768 alleles (0.00043%); highest among the groups gnomAD compares: Admixed American, 0.0033%; no homozygotes.

Submissions (2):

Ambry Genetics
Classification: Uncertain significance. Last evaluated: 2024-09-20. Review status: criteria provided, single submitter. Criteria: Ambry Variant Classification Scheme 2023. Collection method: clinical testing. Allele origin: germline.

Labcorp Genetics (formerly Invitae), Labcorp
Classification: Uncertain significance. Last evaluated: 2024-07-01. Review status: criteria provided, single submitter. Criteria: Invitae Variant Classification Sherloc (09022015). Collection method: clinical testing. Allele origin: germline.
Comment: This sequence change replaces glycine, which is neutral and non-polar, with serine, which is neutral and polar, at codon 32 of the LOXL3 protein (p.Gly32Ser). This variant is present in population databases (rs748837090, gnomAD 0.003%). This variant has not been reported in the literature in individuals affected with LOXL3-related conditions. ClinVar contains an entry for this variant (Variation ID: 1953181). Algorithms developed to predict the effect of missense changes on protein structure and function output the following: SIFT: "Not Available"; PolyPhen-2: "Benign"; Align-GVGD: "Not Available". The serine amino acid residue is found in multiple mammalian species, which suggests that this missense change does not adversely affect protein function. In summary, the available evidence is currently insufficient to determine the role of this variant in disease. Therefore, it has been classified as a Variant of Uncertain Significance.

NM_032603.5(LOXL3):c.94G>A (p.Gly32Ser)

Genes: DOK1 (docking protein 1; plus strand), LOXL3 (lysyl oxidase like 3; minus strand). Cytogenetic location: 2p13.1.
Variant type: single nucleotide variant.
Coding change: c.94G>A on transcript NM_032603.5 (MANE Select); coding-DNA position 94, G replaced by A.
Protein change: p.Gly32Ser; replaces glycine 32 with serine.
Molecular consequence: missense variant. On other transcripts: intron variant (1).
Genome position (GRCh38, 1-based): chr2:74,552,541, C>T on the plus strand (G>A on the coding strand, the complement: LOXL3 is on the minus strand). VCF-style: chr2-74552541-C-T. GRCh37 (hg19) VCF-style: chr2-74779668-C-T.
Other names: c.94G>A, p.Gly32Ser (NM_001289164.3); c.-357-2613C>T (NM_001197260.2); short protein forms G32S.
Identifiers: ClinVar variation 1953181 (VCV001953181.5), dbSNP rs748837090, ClinGen allele CA1729265.